The following is an entry in ClinVar:

NM_000424.4(KRT5):c.631G>A (p.Val211Met)

Genes: KRT5 (keratin 5; minus strand), LOC126861526 (BRD4-independent group 4 enhancer GRCh37_chr12:52912066-52913265; plus strand). Cytogenetic location: 12q13.13.
Variant type: single nucleotide variant.
Coding change: c.631G>A on transcript NM_000424.4 (MANE Select); coding-DNA position 631, G replaced by A.
Protein change: p.Val211Met; replaces valine 211 with methionine.
Molecular consequence: missense variant.
Genome position (GRCh38, 1-based): chr12:52,519,085, C>T on the plus strand (G>A on the coding strand, the complement: KRT5 is on the minus strand). VCF-style: chr12-52519085-C-T. GRCh37 (hg19) VCF-style: chr12-52912869-C-T.
Other names: short protein forms V211M.
Identifiers: ClinVar variation 235206 (VCV000235206.14), dbSNP rs147498164, ClinGen allele CA6582792.

ClinVar aggregate classification (germline): Benign/Likely benign. Review status: criteria provided, multiple submitters, no conflicts (2 of 4 stars). 5 submissions from 5 submitters: Benign (2); Likely benign (2). 1 of the submissions does not count toward it. Last evaluated 2019-12-31.

Conditions:
KRT5-related disorder. Also called: KRT5-related condition.
Epidermolysis bullosa simplex. Also called: Epidermolysis bullosa simplex, Weber-Cockayne type (subtype); Epidermolysis bullosa simplex, Dowling-Meara type (subtype); Epidermolysis bullosa simplex with mottled pigmentation (subtype). Identifiers: Orphanet 304, MedGen C0079298, MONDO:0017610.

Allele frequency attached by ClinVar (database versions not stated): ExAC 0.00353; ESP Exome Variant Server 0.01062; gnomAD 0.01068 and 0.01130; TOPMed 0.01219; 1000 Genomes Project 0.01358; 1000 Genomes Project 30x 0.01468.
gnomAD v4.1: 3,088 of 1,614,208 alleles (0.19%); highest among the groups gnomAD compares: African/African-American, 3.8%; 65 homozygotes.

Submissions (5):

Labcorp Genetics (formerly Invitae), Labcorp
Classification: Benign. Last evaluated: 2019-12-31. Review status: criteria provided, single submitter. Criteria: Invitae Variant Classification Sherloc (09022015). Collection method: clinical testing. Allele origin: germline.

Illumina Laboratory Services, Illumina
Classification: Benign for Epidermolysis bullosa simplex. Last evaluated: 2018-01-13. Review status: criteria provided, single submitter. Criteria: ICSL Variant Classification Criteria 13 December 2019. Collection method: clinical testing. Allele origin: germline.
Comment: This variant was observed in the ICSL laboratory as part of a predisposition screen in an ostensibly healthy population. It had not been previously curated by ICSL or reported in the Human Gene Mutation Database (HGMD: prior to June 1st, 2018), and was therefore a candidate for classification through an automated scoring system. Utilizing variant allele frequency, disease prevalence and penetrance estimates, and inheritance mode, an automated score was calculated to assess if this variant is too frequent to cause the disease. Based on the score and internal cut-off values, a variant classified as benign is not then subjected to further curation. The score for this variant resulted in a classification of benign for this disease.

Center for Pediatric Genomic Medicine, Children's Mercy Hospital and Clinics
Classification: Likely benign. Last evaluated: 2015-08-25. Review status: criteria provided, single submitter. Criteria: ACMG Guidelines, 2015. Collection method: clinical testing. Allele origin: germline.
ClinVar note: Converted during submission from Likely Benign to Likely benign.

Breakthrough Genomics
Classification: Likely benign. Review status: criteria provided, single submitter. Criteria: ACMG Guidelines, 2015. Collection method: not provided. Allele origin: germline. Inheritance: Autosomal recessive inheritance. Affected: yes.

PreventionGenetics, part of Exact Sciences
Classification: Benign for KRT5-related condition. Last evaluated: 2019-06-17. Review status: no assertion criteria provided. Collection method: clinical testing. Allele origin: germline. Not counted in ClinVar's aggregate classification.
Comment: This variant is classified as benign based on ACMG/AMP sequence variant interpretation guidelines (Richards et al. 2015 PMID: 25741868, with internal and published modifications).